The following is an entry in ClinVar:

ClinVar aggregate classification (germline): Uncertain significance. Review status: criteria provided, multiple submitters, no conflicts (2 of 4 stars). 2 submissions from 2 submitters: Uncertain significance (2). Last evaluated 2022-09-13.

Conditions:
Donnai-Barrow syndrome. Also called: DBS/FOAR SYNDROME; FACIOOCULOACOUSTICORENAL SYNDROME. Identifiers: Orphanet 2143, MedGen C1857277, MONDO:0009104, OMIM 222448.

gnomAD v4.1: 3 of 1,611,222 alleles (0.00019%); highest among the groups gnomAD compares: East Asian, 0.0067%; no homozygotes.

Submissions (2):

Labcorp Genetics (formerly Invitae), Labcorp
Classification: Uncertain significance. Last evaluated: 2022-09-13. Review status: criteria provided, single submitter. Criteria: Invitae Variant Classification Sherloc (09022015). Collection method: clinical testing. Allele origin: germline.
Comment: Algorithms developed to predict the effect of sequence changes on RNA splicing suggest that this variant is not likely to affect RNA splicing. In summary, the available evidence is currently insufficient to determine the role of this variant in disease. Therefore, it has been classified as a Variant of Uncertain Significance. ClinVar contains an entry for this variant (Variation ID: 894303). This variant has not been reported in the literature in individuals affected with LRP2-related conditions. This variant is not present in population databases (gnomAD no frequency). This sequence change affects codon 880 of the LRP2 mRNA. It is a 'silent' change, meaning that it does not change the encoded amino acid sequence of the LRP2 protein. It affects a nucleotide within the consensus splice site.

Illumina Laboratory Services, Illumina
Classification: Uncertain significance for Donnai-Barrow syndrome. Last evaluated: 2018-01-12. Review status: criteria provided, single submitter. Criteria: ICSL Variant Classification Criteria 13 December 2019. Collection method: clinical testing. Allele origin: germline.

NM_004525.3(LRP2):c.2640T>G (p.Ala880=)

Gene: LRP2 (LDL receptor related protein 2; minus strand). Cytogenetic location: 2q31.1.
Variant type: single nucleotide variant.
Coding change: c.2640T>G on transcript NM_004525.3 (MANE Select); coding-DNA position 2640, T replaced by G.
Protein change: p.Ala880=; no amino-acid change (alanine 880 retained).
Molecular consequence: synonymous variant.
Genome position (GRCh38, 1-based): chr2:169,256,236, A>C on the plus strand (T>G on the coding strand, the complement: LRP2 is on the minus strand). VCF-style: chr2-169256236-A-C. GRCh37 (hg19) VCF-style: chr2-170112746-A-C.
Identifiers: ClinVar variation 894303 (VCV000894303.8), dbSNP rs1690299512, ClinGen allele CA429920674.